The following is an entry in ClinVar:

ClinVar aggregate classification (germline): Uncertain significance (1 of 4 stars; one submission).

Submission:

Labcorp Genetics (formerly Invitae), Labcorp
Classification: Uncertain significance. Last evaluated: 2023-08-27. Review status: criteria provided, single submitter. Criteria: Invitae Variant Classification Sherloc (09022015). Collection method: clinical testing. Allele origin: germline.
Comment: This variant is not present in population databases (gnomAD no frequency). This variant has not been reported in the literature in individuals affected with PLXNA2-related conditions. This sequence change replaces glutamine, which is neutral and polar, with histidine, which is basic and polar, at codon 1468 of the PLXNA2 protein (p.Gln1468His). In summary, the available evidence is currently insufficient to determine the role of this variant in disease. Therefore, it has been classified as a Variant of Uncertain Significance. Advanced modeling of protein sequence and biophysical properties (such as structural, functional, and spatial information, amino acid conservation, physicochemical variation, residue mobility, and thermodynamic stability) performed at Invitae indicates that this missense variant is expected to disrupt PLXNA2 protein function.

NM_025179.4(PLXNA2):c.4404G>T (p.Gln1468His)

Gene: PLXNA2 (plexin A2; minus strand). Cytogenetic location: 1q32.2.
Variant type: single nucleotide variant.
Coding change: c.4404G>T on transcript NM_025179.4 (MANE Select); coding-DNA position 4404, G replaced by T.
Protein change: p.Gln1468His; replaces glutamine 1468 with histidine.
Molecular consequence: missense variant.
Genome position (GRCh38, 1-based): chr1:208,039,717, C>A on the plus strand (G>T on the coding strand, the complement: PLXNA2 is on the minus strand). VCF-style: chr1-208039717-C-A. GRCh37 (hg19) VCF-style: chr1-208213062-C-A.
Other names: short protein forms Q1468H.
Identifiers: ClinVar variation 2755569 (VCV002755569.3), dbSNP rs2526448226, ClinGen allele CA344562057.